The following is an entry in ClinVar:

NM_014780.5(CUL7):c.1000C>A (p.Gln334Lys)

Gene: CUL7 (cullin 7; minus strand). Cytogenetic location: 6p21.1.
Variant type: single nucleotide variant.
Coding change: c.1000C>A on transcript NM_014780.5 (MANE Select); coding-DNA position 1000, C replaced by A.
Protein change: p.Gln334Lys; replaces glutamine 334 with lysine.
Molecular consequence: missense variant.
Genome position (GRCh38, 1-based): chr6:43,051,201, G>T on the plus strand (C>A on the coding strand, the complement: CUL7 is on the minus strand). VCF-style: chr6-43051201-G-T. GRCh37 (hg19) VCF-style: chr6-43018939-G-T.
Other names: c.1096C>A, p.Gln366Lys (NM_001168370.2, NM_001374872.1); c.1000C>A, p.Gln334Lys (NM_001374873.1, NM_001374874.1); short protein forms Q334K, Q366K.
Identifiers: ClinVar variation 953065 (VCV000953065.3), dbSNP rs1561894798, ClinGen allele CA364227608.
Genomic context (GRCh38, chr6:43,051,201, plus strand): 5'-ACCTCCTGAAGGAGGGCTGAGCCTGGGCAGCGGGGAGCCCTGGGCTCACATCTGCCAGCT[G>T]AGGCTGGAAGATGGAACCGGGGGACCGTGCTGAGCTCCTTGGTCTGTCTGAGGCCTGGTC-3'
Protein context (NP_055595.2, residues 324-344): ARSPGSIFQP[Gln334Lys]LADVSPGLPA

ClinVar aggregate classification (germline): Uncertain significance (1 of 4 stars; one submission).

Conditions:
3M syndrome 1. Also called: 3-M Syndrome, CUL7-Related. Identifiers: Orphanet 2616, MedGen C2678312, MONDO:0010117, OMIM 273750.

Submission:

Foundation for Research in Genetics and Endocrinology, FRIGE's Institute of Human Genetics
Classification: Uncertain significance for 3M syndrome 1. Last evaluated: 2020-03-18. Review status: criteria provided, single submitter. Criteria: ACMG Guidelines, 2015. Collection method: clinical testing. Allele origin: germline. Inheritance: Autosomal recessive inheritance. Affected: yes. Observed: 1 homozygote.
Comment: A homozygous missense variation in exon 4 of the CUL7 gene that results in the amino acid substitution of Isoleucine for Leucine at codon 334 was detected. The observed variant c.1000C>A(p.Leu334Ile) has not been reported in the 1000 genomes and ExAC databases. The in silico prediction of the variant are probably damaging by PolyPhen-2 (HumDiv) and damaging by SIFT and LRT. The reference codon is conserved across species. In summary, the variant is classified as a variant of uncertain significance.